The following is an entry in ClinVar:

ClinVar aggregate classification (germline): Uncertain significance (1 of 4 stars; one submission).

Conditions:
Hereditary spastic paraplegia 11. Also called: SPASTIC PARAPLEGIA, AUTOSOMAL RECESSIVE, COMPLICATED, WITH THIN CORPUS CALLOSUM; SPASTIC PARAPLEGIA, AUTOSOMAL RECESSIVE, WITH MENTAL IMPAIRMENT AND THIN CORPUS CALLOSUM; Spastic paraplegia, mental retardation and thin corpus callosum; Nakamura Osame syndrome; Autosomal recessive hereditary spastic paraplegia, mental impairment, and thin corpus callosum; Spastic Paraplegia 11. Identifiers: Orphanet 2822, MedGen C1858479, MONDO:0011445, OMIM 604360.

Submission:

Labcorp Genetics (formerly Invitae), Labcorp
Classification: Uncertain significance for Hereditary spastic paraplegia 11. Last evaluated: 2021-09-01. Review status: criteria provided, single submitter. Criteria: Invitae Variant Classification Sherloc (09022015). Collection method: clinical testing. Allele origin: germline.
Comment: This sequence change replaces isoleucine with valine at codon 470 of the SPG11 protein (p.Ile470Val). The isoleucine residue is moderately conserved and there is a small physicochemical difference between isoleucine and valine. This variant is not present in population databases (ExAC no frequency). This variant has not been reported in the literature in individuals affected with SPG11-related conditions. Algorithms developed to predict the effect of missense changes on protein structure and function output the following: SIFT: "Tolerated"; PolyPhen-2: "Benign"; Align-GVGD: "Class C0". The valine amino acid residue is found in multiple mammalian species, which suggests that this missense change does not adversely affect protein function. In summary, the available evidence is currently insufficient to determine the role of this variant in disease. Therefore, it has been classified as a Variant of Uncertain Significance.

NM_025137.4(SPG11):c.1408A>G (p.Ile470Val)

Gene: SPG11 (SPG11 vesicle trafficking associated, spatacsin; minus strand). Cytogenetic location: 15q21.1.
Variant type: single nucleotide variant.
Coding change: c.1408A>G on transcript NM_025137.4 (MANE Select); coding-DNA position 1408, A replaced by G.
Protein change: p.Ile470Val; replaces isoleucine 470 with valine.
Molecular consequence: missense variant.
Genome position (GRCh38, 1-based): chr15:44,651,539, T>C on the plus strand (A>G on the coding strand, the complement: SPG11 is on the minus strand). VCF-style: chr15-44651539-T-C. GRCh37 (hg19) VCF-style: chr15-44943737-T-C.
Other names: c.1408A>G, p.Ile470Val (NM_001160227.2); short protein forms I470V.
Identifiers: ClinVar variation 1502167 (VCV001502167.3), dbSNP rs2141105901, ClinGen allele CA392235906.
Genomic context (GRCh38, chr15:44,651,539, plus strand): 5'-AGACAGTCTCACCTGTCAAAACAAAGCACAGCTGCTGGTCTCCACTACTGTCTACAGGAA[T>C]ACACTTTGTGCCAAGGGAAAAACACTGCATGCCCTGGGTCTCCAAATCCCAGAGGGTAAT-3'
Protein context (NP_079413.3, residues 460-480): MQCFSLGTKC[Ile470Val]PVDSSGDQQL